The following is an entry in ClinVar:

NM_000368.5(TSC1):c.1890A>C (p.Lys630Asn)

Gene: TSC1 (TSC complex subunit 1; minus strand). Cytogenetic location: 9q34.13.
Variant type: single nucleotide variant.
Coding change: c.1890A>C on transcript NM_000368.5 (MANE Select); coding-DNA position 1890, A replaced by C.
Protein change: p.Lys630Asn; replaces lysine 630 with asparagine.
Molecular consequence: missense variant. On other transcripts: non-coding transcript variant (5).
Genome position (GRCh38, 1-based): chr9:132,905,688, T>G on the plus strand (A>C on the coding strand, the complement: TSC1 is on the minus strand). VCF-style: chr9-132905688-T-G. GRCh37 (hg19) VCF-style: chr9-135781075-T-G.
Other names: c.1887A>C, p.Lys629Asn (NM_001162426.2, NM_001406597.1, NM_001406608.1 and 6 more transcripts); c.1737A>C, p.Lys579Asn (NM_001162427.2, NM_001406610.1); c.1527A>C, p.Lys509Asn (NM_001362177.2, NM_001406614.1, NM_001406615.1 and 5 more transcripts); c.1890A>C, p.Lys630Asn (NM_001406592.1, NM_001406593.1, NM_001406594.1 and 7 more transcripts); c.1734A>C, p.Lys578Asn (NM_001406611.1, NM_001406612.1, NM_001406613.1); c.936A>C, p.Lys312Asn (NM_001406627.1, NM_001406628.1); c.837A>C, p.Lys279Asn (NM_001406629.1, NM_001406630.1); c.1524A>C, p.Lys508Asn (NM_001406620.1, NM_001406621.1, NM_001406622.1 and 2 more transcripts); and 1 more; short protein forms K579N, K313N, K508N, K509N, K279N, K312N, K578N, K629N.
Identifiers: ClinVar variation 4709626 (VCV004709626.1).
Genomic context (GRCh38, chr9:132,905,688, plus strand): 5'-GTCCAGCACTTCCATTGGGGAGGTAGAGGGCACACCATCTTCCTCTGTGTTTCCTTTTGC[T>G]TTCTTTAACAGCTCCTCAGTCTTCCTGATGACAAAATGATGGGCTGTCTTTGGCAATGCC-3'
Protein context (NP_000359.1, residues 620-640): VIRKTEELLK[Lys630Asn]AKGNTEEDGV

ClinVar aggregate classification (germline): Uncertain significance (1 of 4 stars; one submission).

Conditions:
Tuberous sclerosis 1 (TSC1). Identifiers: Orphanet 805, MedGen C1854465, MONDO:0008612, OMIM 191100.

Submission:

Labcorp Genetics (formerly Invitae), Labcorp
Classification: Uncertain significance for Tuberous sclerosis 1. Last evaluated: 2025-02-19. Review status: criteria provided, single submitter. Criteria: Invitae Variant Classification Sherloc (09022015). Collection method: clinical testing. Allele origin: germline.
Comment: This sequence change replaces lysine, which is basic and polar, with asparagine, which is neutral and polar, at codon 630 of the TSC1 protein (p.Lys630Asn). This variant is not present in population databases (gnomAD no frequency). This variant has not been reported in the literature in individuals affected with TSC1-related conditions. Invitae Evidence Modeling of protein sequence and biophysical properties (such as structural, functional, and spatial information, amino acid conservation, physicochemical variation, residue mobility, and thermodynamic stability) indicates that this missense variant is not expected to disrupt TSC1 protein function with a negative predictive value of 95%. In summary, the available evidence is currently insufficient to determine the role of this variant in disease. Therefore, it has been classified as a Variant of Uncertain Significance.